The following is an entry in ClinVar:

NM_006361.6(HOXB13):c.627C>G (p.Asp209Glu)

Gene: HOXB13 (homeobox B13; minus strand). Cytogenetic location: 17q21.32.
Variant type: single nucleotide variant.
Coding change: c.627C>G on transcript NM_006361.6 (MANE Select); coding-DNA position 627, C replaced by G.
Protein change: p.Asp209Glu; replaces aspartic acid 209 with glutamic acid.
Molecular consequence: missense variant.
Genome position (GRCh38, 1-based): chr17:48,727,018, G>C on the plus strand (C>G on the coding strand, the complement: HOXB13 is on the minus strand). VCF-style: chr17-48727018-G-C. GRCh37 (hg19) VCF-style: chr17-46804380-G-C.
Other names: short protein forms D209E.
Identifiers: ClinVar variation 691123 (VCV000691123.3), dbSNP rs1175181412, ClinGen allele CA400107013.

ClinVar aggregate classification (germline): Uncertain significance. Review status: criteria provided, single submitter (1 of 4 stars). 2 submissions from 2 submitters: Uncertain significance (1). 1 of the submissions does not count toward it. Last evaluated 2023-11-03.

Conditions:
Prostate cancer, hereditary, 1 (HPC1). Identifiers: Orphanet 1331, MedGen C4722327, MONDO:0011098, OMIM 601518.
Hereditary cancer-predisposing syndrome. Also called: Neoplastic Syndromes, Hereditary; Tumor predisposition; Hereditary neoplastic syndrome; Hereditary Cancer Syndrome. Identifiers: Orphanet 140162, MedGen C0027672, MeSH D009386, MONDO:0015356.

Submissions (2):

Ambry Genetics
Classification: Uncertain significance for Hereditary cancer-predisposing syndrome. Last evaluated: 2023-11-03. Review status: criteria provided, single submitter. Criteria: Ambry Variant Classification Scheme 2023. Collection method: clinical testing. Allele origin: germline.
Comment: The p.D209E variant (also known as c.627C>G), located in coding exon 2 of the HOXB13 gene, results from a C to G substitution at nucleotide position 627. The aspartic acid at codon 209 is replaced by glutamic acid, an amino acid with highly similar properties. This amino acid position is conserved. In addition, this alteration is predicted to be tolerated by in silico analysis. Since supporting evidence is limited at this time, the clinical significance of this alteration remains unclear.

Laboratory of Virology, Microbiology,  Quality and Medical Biotechnologies, Faculty of Sciences and Techniques - Mohammedia, Hassan II University of Casablanca
Classification: Uncertain significance for Prostate cancer, hereditary, 1. Review status: no assertion criteria provided. Collection method: clinical testing. Allele origin: somatic. Affected: yes. Not counted in ClinVar's aggregate classification.